The following is an entry in ClinVar:

NM_000064.4(C3):c.3017C>A (p.Thr1006Asn)

Gene: C3 (complement C3; minus strand). Cytogenetic location: 19p13.3.
Variant type: single nucleotide variant.
Coding change: c.3017C>A on transcript NM_000064.4 (MANE Select); coding-DNA position 3017, C replaced by A.
Protein change: p.Thr1006Asn; replaces threonine 1006 with asparagine.
Molecular consequence: missense variant.
Genome position (GRCh38, 1-based): chr19:6,694,568, G>T on the plus strand (C>A on the coding strand, the complement: C3 is on the minus strand). VCF-style: chr19-6694568-G-T. GRCh37 (hg19) VCF-style: chr19-6694579-G-T.
Other names: short protein forms T1006N.
Identifiers: ClinVar variation 2847172 (VCV002847172.3), dbSNP rs2512244467, ClinGen allele CA403629333.
Genomic context (GRCh38, chr19:6,694,568, plus strand): 5'-TGCACAGCGATGACCGTGGGCGTCATGCCGATCATGTTCTGTTCCCCGCAGCCCGAGGGG[G>T]TCACAATGAGGTGCTTCAGCCGTTCCGCGTCGACGGCATCCTCTGTCATCTGGGCCACTG-3'
Protein context (NP_000055.2, residues 996-1016): DAERLKHLIV[Thr1006Asn]PSGCGEQNMI

ClinVar aggregate classification (germline): Uncertain significance (1 of 4 stars; one submission).

Allele frequency attached by ClinVar (database versions not stated): gnomAD exomes below 0.00001.
gnomAD v4.1: 1 of 1,614,082 alleles (0.000062%); highest among the groups gnomAD compares: Non-Finnish European, 0.000085%; no homozygotes.

Submission:

Labcorp Genetics (formerly Invitae), Labcorp
Classification: Uncertain significance. Last evaluated: 2023-03-18. Review status: criteria provided, single submitter. Criteria: Invitae Variant Classification Sherloc (09022015). Collection method: clinical testing. Allele origin: germline.
Comment: In summary, the available evidence is currently insufficient to determine the role of this variant in disease. Therefore, it has been classified as a Variant of Uncertain Significance. Advanced modeling of protein sequence and biophysical properties (such as structural, functional, and spatial information, amino acid conservation, physicochemical variation, residue mobility, and thermodynamic stability) performed at Invitae indicates that this missense variant is expected to disrupt C3 protein function. This variant has not been reported in the literature in individuals affected with C3-related conditions. This variant is not present in population databases (gnomAD no frequency). This sequence change replaces threonine, which is neutral and polar, with asparagine, which is neutral and polar, at codon 1006 of the C3 protein (p.Thr1006Asn).